The following is an entry in ClinVar:

ClinVar aggregate classification (germline): Uncertain significance (1 of 4 stars; one submission).

Allele frequency attached by ClinVar (database versions not stated): gnomAD 0.00001; TOPMed 0.00002 and 0.00004.
gnomAD v4.1: 1 of 984,214 alleles (0.0001%); highest among the groups gnomAD compares: African/African-American, 0.0018%; no homozygotes.

Submission:

GeneDx
Classification: Uncertain significance. Last evaluated: 2017-10-23. Review status: criteria provided, single submitter. Criteria: GeneDx Variant Classification (06012015). Collection method: clinical testing. Allele origin: germline. Affected: yes.
Comment: The c.-10+4 A>G variant has not been published as a pathogenic variant, nor has it been reported as a benign variant to our knowledge. The c.-10+4 A>G variant is not observed in large population cohorts (Lek et al., 2016). This substitution occurs at a position that is not conserved. The majority of in-silico splice prediction models predict that c.-10+4 A>G damages the natural splice donor site in intron 1 and lead to abnormal gene splicing. However, in the absence of RNA/functional studies, the actual effect of this sequence change in this individual is unknown. Moreover, this variant is located in a region that tolerates variation and lacks pathogenic variants. In summary, based on the currently available information, it is unclear whether this variant is a pathogenic variant or a rare benign variant.

NM_001349206.2(LPIN1):c.-10+4A>G

Genes: LPIN1 (lipin 1; plus strand), LOC129933127 (ATAC-STARR-seq lymphoblastoid silent region 11176; plus strand). Cytogenetic location: 2p25.1.
Variant type: single nucleotide variant.
Coding change: c.-10+4A>G on transcript NM_001349206.2 (MANE Select); 4 bases into the intron after 10 bases upstream of the start codon, A replaced by G.
Molecular consequence: intron variant.
Genome position (GRCh38, 1-based): chr2:11,746,675, A>G. VCF-style: chr2-11746675-A-G. GRCh37 (hg19) VCF-style: chr2-11886801-A-G.
Other names: c.139-18858A>G (NM_001261428.3, NM_001349208.2); c.82-18858A>G (NM_001349207.2); c.9+5247A>G (NM_001261427.3); c.-128+4A>G (NM_001349204.2, NM_001349199.2, NM_001349202.2 and 1 more transcripts); c.-10+4A>G (NM_001349203.2, NM_001349201.2, NM_145693.4).
Identifiers: ClinVar variation 452931 (VCV000452931.2), dbSNP rs1462335986, ClinGen allele CA658657009.